The following is an entry in ClinVar:

NM_000702.4(ATP1A2):c.2012C>T (p.Thr671Ile)

Gene: ATP1A2 (ATPase Na+/K+ transporting subunit alpha 2; plus strand). Cytogenetic location: 1q23.2.
Variant type: single nucleotide variant.
Coding change: c.2012C>T on transcript NM_000702.4 (MANE Select); coding-DNA position 2012, C replaced by T.
Protein change: p.Thr671Ile; replaces threonine 671 with isoleucine.
Molecular consequence: missense variant.
Genome position (GRCh38, 1-based): chr1:160,135,192, C>T. VCF-style: chr1-160135192-C-T. GRCh37 (hg19) VCF-style: chr1-160104982-C-T.
Other names: short protein forms T671I.
Identifiers: ClinVar variation 3372718 (VCV003372718.3).

ClinVar aggregate classification (germline): Uncertain significance. Review status: criteria provided, multiple submitters, no conflicts (2 of 4 stars). 2 submissions from 2 submitters: Uncertain significance (2). Last evaluated 2024-08-21.

Conditions:
Familial hemiplegic migraine. Identifiers: MedGen C0338484, MONDO:0000700.

Submissions (2):

Labcorp Genetics (formerly Invitae), Labcorp
Classification: Uncertain significance for Familial hemiplegic migraine. Last evaluated: 2024-08-21. Review status: criteria provided, single submitter. Criteria: Invitae Variant Classification Sherloc (09022015). Collection method: clinical testing. Allele origin: germline.
Comment: This sequence change replaces threonine, which is neutral and polar, with isoleucine, which is neutral and non-polar, at codon 671 of the ATP1A2 protein (p.Thr671Ile). This variant is not present in population databases (gnomAD no frequency). This variant has not been reported in the literature in individuals affected with ATP1A2-related conditions. Invitae Evidence Modeling of protein sequence and biophysical properties (such as structural, functional, and spatial information, amino acid conservation, physicochemical variation, residue mobility, and thermodynamic stability) indicates that this missense variant is not expected to disrupt ATP1A2 protein function with a negative predictive value of 80%. In summary, the available evidence is currently insufficient to determine the role of this variant in disease. Therefore, it has been classified as a Variant of Uncertain Significance.

GeneDx
Classification: Uncertain significance. Last evaluated: 2024-04-17. Review status: criteria provided, single submitter. Criteria: GeneDx Variant Classification Process June 2021. Collection method: clinical testing. Allele origin: germline. Affected: yes.
Comment: Not observed at significant frequency in large population cohorts (gnomAD); In silico analysis supports that this missense variant has a deleterious effect on protein structure/function; Has not been previously published as pathogenic or benign to our knowledge; This variant is associated with the following publications: (PMID: 18184292)